The following is an entry in ClinVar:

ClinVar aggregate classification (germline): Likely benign (1 of 4 stars; one submission).

Conditions:
IFT27-related disorder. Also called: IFT27-related condition.

gnomAD v4.1: 1 of 1,614,234 alleles (0.000062%); highest among the groups gnomAD compares: African/African-American, 0.0013%; no homozygotes.

Submission:

PreventionGenetics, part of Exact Sciences
Classification: Likely benign for IFT27-related condition. Last evaluated: 2024-11-03. Review status: criteria provided, single submitter. Criteria: ACMG Guidelines, 2015. Collection method: clinical testing. Allele origin: germline.
Comment: This variant is classified as likely benign based on ACMG/AMP sequence variant interpretation guidelines (Richards et al. 2015 PMID: 25741868, with internal and published modifications).

NM_001177701.3(IFT27):c.72C>T (p.Ile24=)

Gene: IFT27 (intraflagellar transport 27; minus strand). Cytogenetic location: 22q12.3.
Variant type: single nucleotide variant.
Coding change: c.72C>T on transcript NM_001177701.3 (MANE Select); coding-DNA position 72, C replaced by T.
Protein change: p.Ile24=; no amino-acid change (isoleucine 24 retained).
Molecular consequence: synonymous variant.
Genome position (GRCh38, 1-based): chr22:36,767,825, G>A on the plus strand (C>T on the coding strand, the complement: IFT27 is on the minus strand). VCF-style: chr22-36767825-G-A. GRCh37 (hg19) VCF-style: chr22-37163869-G-A.
Other names: c.72C>T, p.Ile24= (NM_001363003.2); c.69C>T, p.Ile23= (NM_006860.5).
Identifiers: ClinVar variation 4982897 (VCV004982897.1).